The following is an entry in ClinVar:

NM_004360.5(CDH1):c.1418_1420dup (p.Val473_Thr474insIle)

Gene: CDH1 (cadherin 1; plus strand). Cytogenetic location: 16q22.1.
Variant type: Duplication.
Coding change: c.1418_1420dup on transcript NM_004360.5 (MANE Select); coding-DNA positions 1418 to 1420, 3 bases duplicated (TCA; older notation c.1418_1420dupTCA).
Protein change: p.Val473_Thr474insIle.
Molecular consequence: inframe insertion. On other transcripts: 5 prime UTR variant (2), inframe indel (1).
Genome position (GRCh38, 1-based): chr16:68,815,612-68,815,614, TCA duplicated. VCF-style (leftmost placement, unchanged base first): chr16-68815611-G-GTCA. GRCh37 (hg19) VCF-style: chr16-68849514-G-GTCA.
Other names: c.1235_1237dup, p.Val412_Thr413insIle (NM_001317184.2); c.-131_-129dup (NM_001317185.2); c.-402_-400dup (NM_001317186.2); c.1418_1420dupTCA (NM_004360.3).
Identifiers: ClinVar variation 2567613 (VCV002567613.2), dbSNP rs2543930696, ClinGen allele CA2580612857.

ClinVar aggregate classification (germline): Uncertain significance (1 of 4 stars; one submission).

Conditions:
Hereditary cancer-predisposing syndrome. Also called: Hereditary neoplastic syndrome; Hereditary Cancer Syndrome; Neoplastic Syndromes, Hereditary; Tumor predisposition. Identifiers: Orphanet 140162, MedGen C0027672, MeSH D009386, MONDO:0015356.

Submission:

Ambry Genetics
Classification: Uncertain significance for Hereditary cancer-predisposing syndrome. Last evaluated: 2023-05-16. Review status: criteria provided, single submitter. Criteria: Ambry Variant Classification Scheme 2023. Collection method: clinical testing. Allele origin: germline.
Comment: The c.1418_1420dupTCA variant (also known as p.V473_T474insI), located in coding exon 10 of the CDH1 gene, results from an in-frame duplication of TCA at nucleotide positions 1418 to 1420. This results in the in-frame insertion of an isoleucine residue between codons 473 and 474. This amino acid region is well conserved in available vertebrate species. In addition, this alteration is predicted to be deleterious by in silico analysis (Choi Y et al. PLoS ONE. 2012; 7(10):e46688). Since supporting evidence is limited at this time, the clinical significance of this alteration remains unclear.